The following is an entry in ClinVar:

ClinVar aggregate classification (germline): Uncertain significance (1 of 4 stars; one submission).

Submission:

Ambry Genetics
Classification: Uncertain significance. Last evaluated: 2025-08-01. Review status: criteria provided, single submitter. Criteria: Ambry Variant Classification Scheme 2023. Collection method: clinical testing. Allele origin: germline.
Comment: The p.P907R variant (also known as c.2720C>G), located in coding exon 11 of the WNK2 gene, results from a C to G substitution at nucleotide position 2720. The proline at codon 907 is replaced by arginine, an amino acid with dissimilar properties. This amino acid position is conserved. In addition, the in silico prediction for this alteration is inconclusive. Based on the available evidence, the clinical significance of this variant remains unclear.

NM_006648.4(WNK2):c.2720C>G (p.Pro907Arg)

Gene: WNK2 (WNK lysine deficient protein kinase 2; plus strand). Cytogenetic location: 9q22.31.
Variant type: single nucleotide variant.
Coding change: c.2720C>G on transcript NM_006648.4 (MANE Select); coding-DNA position 2720, C replaced by G.
Protein change: p.Pro907Arg; replaces proline 907 with arginine.
Molecular consequence: missense variant.
Genome position (GRCh38, 1-based): chr9:93,259,268, C>G. VCF-style: chr9-93259268-C-G. GRCh37 (hg19) VCF-style: chr9-96021550-C-G.
Other names: c.2720C>G, p.Pro907Arg (NM_001282394.3); short protein forms P907R.
Identifiers: ClinVar variation 4201694 (VCV004201694.1).